The following is an entry in ClinVar:

NM_001099271.2(POC5):c.226A>G (p.Asn76Asp)

Gene: POC5 (POC5 centriolar protein; minus strand). Cytogenetic location: 5q13.3.
Variant type: single nucleotide variant.
Coding change: c.226A>G on transcript NM_001099271.2 (MANE Select); coding-DNA position 226, A replaced by G.
Protein change: p.Asn76Asp; replaces asparagine 76 with aspartic acid.
Molecular consequence: missense variant.
Genome position (GRCh38, 1-based): chr5:75,705,785, T>C on the plus strand (A>G on the coding strand, the complement: POC5 is on the minus strand). VCF-style: chr5-75705785-T-C. GRCh37 (hg19) VCF-style: chr5-75001610-T-C.
Other names: c.151A>G, p.Asn51Asp (NM_152408.3); short protein forms N51D, N76D.
Identifiers: ClinVar variation 4806550 (VCV004806550.1).

ClinVar aggregate classification (germline): Uncertain significance (1 of 4 stars; one submission).

gnomAD v4.1: 1 of 1,532,958 alleles (0.000065%); highest among the groups gnomAD compares: Non-Finnish European, 0.000088%; no homozygotes.

Submission:

Labcorp Genetics (formerly Invitae), Labcorp
Classification: Uncertain significance. Last evaluated: 2025-04-17. Review status: criteria provided, single submitter. Criteria: Invitae Variant Classification Sherloc (09022015). Collection method: clinical testing. Allele origin: germline.
Comment: This sequence change replaces asparagine, which is neutral and polar, with aspartic acid, which is acidic and polar, at codon 76 of the POC5 protein (p.Asn76Asp). This variant is not present in population databases (gnomAD no frequency). This variant has not been reported in the literature in individuals affected with POC5-related conditions. An algorithm developed to predict the effect of missense changes on protein structure and function (PolyPhen-2) suggests that this variant is likely to be tolerated. In summary, the available evidence is currently insufficient to determine the role of this variant in disease. Therefore, it has been classified as a Variant of Uncertain Significance.